The following is an entry in ClinVar:

ClinVar aggregate classification (germline): Uncertain significance (1 of 4 stars; one submission).

Conditions:
Nemaline myopathy 2 (NEM2). Also called: Nemaline myopathy 2, autosomal recessive. Identifiers: MedGen C1850569, MONDO:0009725, OMIM 256030.

Submission:

Labcorp Genetics (formerly Invitae), Labcorp
Classification: Uncertain significance for Nemaline myopathy 2. Last evaluated: 2022-04-10. Review status: criteria provided, single submitter. Criteria: Invitae Variant Classification Sherloc (09022015). Collection method: clinical testing. Allele origin: germline.
Comment: This variant has not been reported in the literature in individuals affected with NEB-related conditions. This variant is not present in population databases (gnomAD no frequency). This sequence change replaces isoleucine, which is neutral and non-polar, with threonine, which is neutral and polar, at codon 1024 of the NEB protein (p.Ile1024Thr). In summary, the available evidence is currently insufficient to determine the role of this variant in disease. Therefore, it has been classified as a Variant of Uncertain Significance. Algorithms developed to predict the effect of missense changes on protein structure and function output the following: SIFT: "Deleterious"; PolyPhen-2: "Not Available"; Align-GVGD: "Class C0". The threonine amino acid residue is found in multiple mammalian species, which suggests that this missense change does not adversely affect protein function.

NM_001164508.2(NEB):c.3071T>C (p.Ile1024Thr)

Gene: NEB (nebulin; minus strand). Cytogenetic location: 2q23.3.
Variant type: single nucleotide variant.
Coding change: c.3071T>C on transcript NM_001164508.2 (MANE Select); coding-DNA position 3071, T replaced by C.
Protein change: p.Ile1024Thr; replaces isoleucine 1024 with threonine.
Molecular consequence: missense variant.
Genome position (GRCh38, 1-based): chr2:151,679,994, A>G on the plus strand (T>C on the coding strand, the complement: NEB is on the minus strand). VCF-style: chr2-151679994-A-G. GRCh37 (hg19) VCF-style: chr2-152536508-A-G.
Other names: c.3071T>C, p.Ile1024Thr (NM_001164507.2, NM_001271208.2, NM_004543.5); short protein forms I1024T.
Identifiers: ClinVar variation 2124236 (VCV002124236.4), dbSNP rs922444975, ClinGen allele CA57659626.